The following is an entry in ClinVar:

NM_000393.5(COL5A2):c.*1960A>G

Gene: COL5A2 (collagen type V alpha 2 chain; minus strand). Cytogenetic location: 2q32.2.
Variant type: single nucleotide variant.
Coding change: c.*1960A>G on transcript NM_000393.5 (MANE Select); 1960 bases downstream of the stop codon, A replaced by G.
Molecular consequence: 3 prime UTR variant.
Genome position (GRCh38, 1-based): chr2:189,032,110, T>C on the plus strand (A>G on the coding strand, the complement: COL5A2 is on the minus strand). VCF-style: chr2-189032110-T-C. GRCh37 (hg19) VCF-style: chr2-189896836-T-C.
Identifiers: ClinVar variation 333097 (VCV000333097.7), dbSNP rs76482660, ClinGen allele CA10613476.

ClinVar aggregate classification (germline): Benign/Likely benign. Review status: criteria provided, multiple submitters, no conflicts (2 of 4 stars). 2 submissions from 2 submitters: Benign (1); Likely benign (1). Last evaluated 2021-05-11.

Conditions:
Ehlers-Danlos syndrome, classic type, 2 (EDSCL2). Also called: Ehlers-Danlos syndrome, type 2; Ehlers-Danlos syndrome type 2 (formerly); Ehlers-Danlos Syndrome, Classic Type, COL5A2-Related. Identifiers: Orphanet 287, Orphanet 90318, MedGen C0268336, MONDO:0019568, OMIM 130010.

Allele frequency attached by ClinVar (database versions not stated): 1000 Genomes Project 30x 0.01218; gnomAD 0.01355 and 0.01254; TOPMed 0.01404; 1000 Genomes Project 0.01158.

Submissions (2):

GeneDx
Classification: Likely benign. Last evaluated: 2021-05-11. Review status: criteria provided, single submitter. Criteria: GeneDx Variant Classification Process June 2021. Collection method: clinical testing. Allele origin: germline. Affected: yes.

Illumina Laboratory Services, Illumina
Classification: Benign for Ehlers-Danlos syndrome, classic type, 2. Last evaluated: 2018-01-13. Review status: criteria provided, single submitter. Criteria: ICSL Variant Classification Criteria 13 December 2019. Collection method: clinical testing. Allele origin: germline.
Comment: This variant was observed in the ICSL laboratory as part of a predisposition screen in an ostensibly healthy population. It had not been previously curated by ICSL or reported in the Human Gene Mutation Database (HGMD: prior to June 1st, 2018), and was therefore a candidate for classification through an automated scoring system. Utilizing variant allele frequency, disease prevalence and penetrance estimates, and inheritance mode, an automated score was calculated to assess if this variant is too frequent to cause the disease. Based on the score and internal cut-off values, a variant classified as benign is not then subjected to further curation. The score for this variant resulted in a classification of benign for this disease.